The following is an entry in ClinVar:

NM_001130823.3(DNMT1):c.29T>G (p.Val10Gly)

Genes: DNMT1 (DNA methyltransferase 1; minus strand), LOC130063472 (ATAC-STARR-seq lymphoblastoid silent region 10057; plus strand). Cytogenetic location: 19p13.2.
Variant type: single nucleotide variant.
Coding change: c.29T>G on transcript NM_001130823.3 (MANE Select); coding-DNA position 29, T replaced by G.
Protein change: p.Val10Gly; replaces valine 10 with glycine.
Molecular consequence: missense variant. On other transcripts: 5 prime UTR variant (1).
Genome position (GRCh38, 1-based): chr19:10,194,871, A>C on the plus strand (T>G on the coding strand, the complement: DNMT1 is on the minus strand). VCF-style: chr19-10194871-A-C. GRCh37 (hg19) VCF-style: chr19-10305547-A-C.
Other names: c.29T>G, p.Val10Gly (NM_001318730.2, NM_001379.4); c.-295T>G (NM_001318731.2); short protein forms V10G.
Identifiers: ClinVar variation 1798641 (VCV001798641.2), dbSNP rs2513933694, ClinGen allele CA403950236.
Genomic context (GRCh38, chr19:10,194,871, plus strand): 5'-GGTACCTACCGCCTGCGGACATCGTCGGGCAGCGAGATGGCCGGGACGGCCAGTGTGGGC[A>C]CCCGGGCTGGGGCGGTACGCGCCGGCATCTCGGAGGCTTCAGCAGACGCGGCGGCGGCAG-3'
Protein context (NP_001124295.1, residues 1-20): MPARTAPAR[Val10Gly]PTLAVPAISL

ClinVar aggregate classification (germline): Uncertain significance (1 of 4 stars; one submission).

Conditions:
Inborn genetic diseases. Identifiers: MedGen C0950123, MeSH D030342.

Submission:

Ambry Genetics
Classification: Uncertain significance for Inborn genetic diseases. Last evaluated: 2022-02-03. Review status: criteria provided, single submitter. Criteria: Ambry Variant Classification Scheme 2023. Collection method: clinical testing. Allele origin: germline.
Comment: The p.V10G variant (also known as c.29T>G), located in coding exon 1 of the DNMT1 gene, results from a T to G substitution at nucleotide position 29. The valine at codon 10 is replaced by glycine, an amino acid with dissimilar properties. This amino acid position is highly conserved in available vertebrate species. In addition, this alteration is predicted to be tolerated by in silico analysis. Since supporting evidence is limited at this time, the clinical significance of this alteration remains unclear.